The following is an entry in ClinVar:

ClinVar aggregate classification (germline): Uncertain significance. Review status: criteria provided, multiple submitters, no conflicts (2 of 4 stars). 2 submissions from 2 submitters: Uncertain significance (2). Last evaluated 2026-04-07.

Conditions:
Multiple endocrine neoplasia, type 1 (MEN1). Also called: Endocrine adenomatosis multiple; MEN 1; MEA I; MEN I; WERMER SYNDROME. Identifiers: Orphanet 652, MedGen C0025267, MeSH D018761, MONDO:0007540, OMIM 131100.

Allele frequency attached by ClinVar (database versions not stated): gnomAD exomes 0.00066; gnomAD 0.00004; TOPMed 0.00006.
gnomAD v4.1: 8 of 155,518 alleles (0.0051%); highest among the groups gnomAD compares: Non-Finnish European, 0.011%; no homozygotes.

Submissions (2):

Dasa
Classification: Uncertain significance for Multiple endocrine neoplasia, type 1. Last evaluated: 2026-04-07. Review status: criteria provided, single submitter. Criteria: DASA Assertion Criteria. Collection method: clinical testing. Allele origin: germline.
Comment: NM_000244.3(MEN1):c.-24+3G>A is an intronic variant. This variant is rare in population databases. Computational prediction algorithms are consistent with a deleterious effect. The currently available literature and clinical evidence are not sufficient to establish a definitive association between this variant and the reported condition. Therefore, this variant is classified as a variant of uncertain significance.

GeneDx
Classification: Uncertain significance. Last evaluated: 2017-01-09. Review status: criteria provided, single submitter. Criteria: GeneDx Variant Classification (06012015). Collection method: clinical testing. Allele origin: germline. Affected: yes.
Comment: This variant is denoted MEN1 c.-24+3G>A or IVS1+3G>A and consists of a G>A nucleotide substitution at the +3 position of intron 1 of the MEN1 gene. In silico models are inconclusive with respect to splicing, and in the absence of RNA or functional studies, the actual effect of this variant is unknown. This variant has not, to our knowledge, been published in the literature as pathogenic or benign. MEN1 c.-24+3G>A occurs at a position that is not covered in the NHLBI Exome Sequencing Project. The guanine (G) nucleotide that is altered is not conserved across species. Based on currently available information, it is unclear whether MEN1 c.-24+3G>A is pathogenic or benign. We consider it to be a variant of uncertain significance.

NM_000244.4(MEN1):c.-24+3G>A

Gene: MEN1 (menin 1; minus strand). Cytogenetic location: 11q13.1.
Variant type: single nucleotide variant.
Coding change: c.-24+3G>A on transcript NM_000244.4; 3 bases into the intron after 24 bases upstream of the start codon, G replaced by A.
Molecular consequence: intron variant.
Genome position (GRCh38, 1-based): chr11:64,810,627, C>T on the plus strand (G>A on the coding strand, the complement: MEN1 is on the minus strand). VCF-style: chr11-64810627-C-T. GRCh37 (hg19) VCF-style: chr11-64578099-C-T.
Other names: c.-24+187G>A (NM_130804.3, NM_130803.3); c.-24+3G>A (NM_001407148.1, NM_130799.3, NM_001407144.1).
Identifiers: ClinVar variation 423056 (VCV000423056.6), dbSNP rs892783738, ClinGen allele CA16619369.